The following is an entry in ClinVar:

ClinVar aggregate classification (germline): Uncertain significance (1 of 4 stars; one submission).

Allele frequency attached by ClinVar (database versions not stated): gnomAD exomes below 0.00001; TOPMed 0.00001.
gnomAD v4.1: 2 of 1,614,248 alleles (0.00012%); highest among the groups gnomAD compares: African/African-American, 0.0013%; no homozygotes.

Submission:

Labcorp Genetics (formerly Invitae), Labcorp
Classification: Uncertain significance. Last evaluated: 2025-04-21. Review status: criteria provided, single submitter. Criteria: Invitae Variant Classification Sherloc (09022015). Collection method: clinical testing. Allele origin: germline.
Comment: This sequence change replaces serine, which is neutral and polar, with arginine, which is basic and polar, at codon 241 of the EMC1 protein (p.Ser241Arg). This variant is not present in population databases (gnomAD no frequency). This variant has not been reported in the literature in individuals affected with EMC1-related conditions. ClinVar contains an entry for this variant (Variation ID: 1957488). Invitae Evidence Modeling of protein sequence and biophysical properties (such as structural, functional, and spatial information, amino acid conservation, physicochemical variation, residue mobility, and thermodynamic stability) indicates that this missense variant is not expected to disrupt EMC1 protein function with a negative predictive value of 80%. In summary, the available evidence is currently insufficient to determine the role of this variant in disease. Therefore, it has been classified as a Variant of Uncertain Significance.

NM_015047.3(EMC1):c.723C>A (p.Ser241Arg)

Genes: EMC1 (ER membrane protein complex subunit 1; minus strand), EMC1-AS1 (EMC1 antisense RNA 1; plus strand). Cytogenetic location: 1p36.13.
Variant type: single nucleotide variant.
Coding change: c.723C>A on transcript NM_015047.3 (MANE Select); coding-DNA position 723, C replaced by A.
Protein change: p.Ser241Arg; replaces serine 241 with arginine.
Molecular consequence: missense variant. On other transcripts: non-coding transcript variant (1).
Genome position (GRCh38, 1-based): chr1:19,240,360, G>T on the plus strand (C>A on the coding strand, the complement: EMC1 is on the minus strand). VCF-style: chr1-19240360-G-T. GRCh37 (hg19) VCF-style: chr1-19566854-G-T.
Other names: c.723C>A, p.Ser241Arg (NM_001271427.2, NM_001271428.2, NM_001375820.1 and 1 more transcripts); c.657C>A, p.Ser219Arg (NM_001271429.2); short protein forms S219R, S241R.
Identifiers: ClinVar variation 1957488 (VCV001957488.5), dbSNP rs2093597561, ClinGen allele CA338768968.